The following is an entry in ClinVar:

NM_144596.4(TTC8):c.332C>T (p.Pro111Leu)

Gene: TTC8 (tetratricopeptide repeat domain 8; plus strand). Cytogenetic location: 14q31.3.
Variant type: single nucleotide variant.
Coding change: c.332C>T on transcript NM_144596.4 (MANE Select); coding-DNA position 332, C replaced by T.
Protein change: p.Pro111Leu; replaces proline 111 with leucine.
Molecular consequence: missense variant. On other transcripts: 5 prime UTR variant (2), non-coding transcript variant (1).
Genome position (GRCh38, 1-based): chr14:88,841,039, C>T. VCF-style: chr14-88841039-C-T. GRCh37 (hg19) VCF-style: chr14-89307383-C-T.
Other names: c.302C>T, p.Pro101Leu (NM_001288781.1, NM_001366535.2, NM_001366536.2 and 2 more transcripts); c.-261C>T (NM_001288782.1); c.-356C>T (NM_001288783.1); short protein forms P101L, P111L.
Identifiers: ClinVar variation 1508688 (VCV001508688.6), dbSNP rs2094778322, ClinGen allele CA390574044.
Genomic context (GRCh38, chr14:88,841,039, plus strand): 5'-ATGAGAGTCTTTCCTCAAATGATCTTCTTTGTATTATAACAATTTATAATCTTCACAGGC[C>T]AATCACACAAGCTGGAAGACCCATTACAGGTTTCCTCAGGCCCAGCACGCAGAGTGGAAG-3'
Protein context (NP_653197.2, residues 101-121): QTGGPSQAVR[Pro111Leu]ITQAGRPITG

ClinVar aggregate classification (germline): Uncertain significance (1 of 4 stars; one submission).

Conditions:
Bardet-Biedl syndrome (BBS). Identifiers: Orphanet 110, MedGen C0752166, MONDO:0015229.

Allele frequency attached by ClinVar (database versions not stated): gnomAD exomes below 0.00001; TOPMed below 0.00001.
gnomAD v4.1: 1 of 1,614,014 alleles (0.000062%); highest among the groups gnomAD compares: Non-Finnish European, 0.000085%; no homozygotes.

Submission:

Labcorp Genetics (formerly Invitae), Labcorp
Classification: Uncertain significance for Bardet-Biedl syndrome. Last evaluated: 2021-10-27. Review status: criteria provided, single submitter. Criteria: Invitae Variant Classification Sherloc (09022015). Collection method: clinical testing. Allele origin: germline.
Comment: In summary, the available evidence is currently insufficient to determine the role of this variant in disease. Therefore, it has been classified as a Variant of Uncertain Significance. Algorithms developed to predict the effect of missense changes on protein structure and function are either unavailable or do not agree on the potential impact of this missense change (SIFT: "Tolerated"; PolyPhen-2: "Probably Damaging"; Align-GVGD: "Class C0"). This variant has not been reported in the literature in individuals affected with TTC8-related conditions. This variant is not present in population databases (gnomAD no frequency). This sequence change replaces proline, a(n) neutral and non-polar amino acid, with leucine, a(n) neutral and non-polar amino acid, at codon 101 of the TTC8 protein (p.Pro101Leu).